The following is an entry in ClinVar:

ClinVar aggregate classification (germline): Pathogenic (1 of 4 stars; one submission).

Conditions:
Arrhythmogenic right ventricular dysplasia 11. Also called: Arrhythmogenic right ventricular dysplasia 11 with mild palmoplantar keratoderma and woolly hair; Arrhythmogenic Right Ventricular Dysplasia/Cardiomyopathy11; ARRHYTHMOGENIC RIGHT VENTRICULAR DYSPLASIA, FAMILIAL, 11. Identifiers: MedGen C1864850, MONDO:0012506, OMIM 610476.

Submission:

Labcorp Genetics (formerly Invitae), Labcorp
Classification: Pathogenic for Arrhythmogenic right ventricular dysplasia 11. Last evaluated: 2022-06-19. Review status: criteria provided, single submitter. Criteria: Invitae Variant Classification Sherloc (09022015). Collection method: clinical testing. Allele origin: germline.
Comment: For these reasons, this variant has been classified as Pathogenic. This variant has not been reported in the literature in individuals affected with DSC2-related conditions. This variant is a gross deletion of the genomic region encompassing exon(s) 13-14 of the DSC2 gene. This deletion is out-of-frame, and is expected to create a premature termination codon and result in an absent or disrupted protein product. Loss-of-function variants in DSC2 are known to be pathogenic (PMID: 23911551).

Literature cited by the submitters: PubMed 23911551.

NC_000018.10:g.(?_31070706)_(31070870_?)del

Gene: DSC2 (desmocollin 2; minus strand). Cytogenetic location: 18q12.1.
Variant type: Deletion.
Identifiers: ClinVar variation 536289 (VCV000536289.7).